The following is an entry in ClinVar:

ClinVar aggregate classification (germline): Pathogenic/Likely pathogenic. Review status: criteria provided, multiple submitters, no conflicts (2 of 4 stars). 4 submissions from 4 submitters: Pathogenic (1); Likely pathogenic (3). Last evaluated 2024-12-16.

Conditions:
ALG1-congenital disorder of glycosylation. Also called: ALG1-CDG; CONGENITAL DISORDER OF GLYCOSYLATION, TYPE Ik; CDG Ik. Identifiers: Orphanet 79327, MedGen C2931005, MONDO:0012052, OMIM 608540.

Allele frequency attached by ClinVar (database versions not stated): gnomAD 0.00001; gnomAD exomes 0.00001; ExAC 0.00002.

Submissions (4):

GeneDx
Classification: Likely pathogenic. Last evaluated: 2024-12-16. Review status: criteria provided, single submitter. Criteria: GeneDx Variant Classification Process June 2021. Collection method: clinical testing. Allele origin: germline.
Comment: Nonsense variant predicted to result in protein truncation or nonsense mediated decay in a gene for which loss of function is a known mechanism of disease; Not observed at significant frequency in large population cohorts (gnomAD); Has not been previously published as pathogenic or benign to our knowledge

Labcorp Genetics (formerly Invitae), Labcorp
Classification: Pathogenic for ALG1-congenital disorder of glycosylation. Last evaluated: 2024-10-17. Review status: criteria provided, single submitter. Criteria: Invitae Variant Classification Sherloc (09022015). Collection method: clinical testing. Allele origin: germline.
Comment: This sequence change creates a premature translational stop signal (p.Arg99*) in the ALG1 gene. It is expected to result in an absent or disrupted protein product. Loss-of-function variants in ALG1 are known to be pathogenic (PMID: 20679665, 23806237). This variant is present in population databases (rs750451819, gnomAD 0.002%). This variant has not been reported in the literature in individuals affected with ALG1-related conditions. ClinVar contains an entry for this variant (Variation ID: 1702670). Algorithms developed to predict the effect of sequence changes on RNA splicing suggest that this variant may disrupt the consensus splice site. For these reasons, this variant has been classified as Pathogenic.

Fulgent Genetics
Classification: Likely pathogenic for ALG1-congenital disorder of glycosylation. Last evaluated: 2024-03-23. Review status: criteria provided, single submitter. Criteria: ACMG Guidelines, 2015. Collection method: clinical testing. Allele origin: germline.

Neuberg Centre For Genomic Medicine, NCGM
Classification: Likely pathogenic for ALG1-congenital disorder of glycosylation. Last evaluated: 2023-07-22. Review status: criteria provided, single submitter. Criteria: ACMG Guidelines, 2015. Collection method: clinical testing. Allele origin: germline. Inheritance: Autosomal recessive inheritance. Affected: yes.
Comment: The observed stop gained c.295C>Tp.Arg99Ter variant in ALG1 gene has not been reported previously as a pathogenic variant nor as a benign variant, to our knowledge. This variant is reported with the allele frequency of 0.001% in the gnomAD Exomes. This variant has been reported to the ClinVar database as Likely Pathogenic / Pathogenic. This variant is predicted to cause loss of normal protein function either through protein truncation or nonsense-mediated mRNA decay. Loss of function variants have been previously reported to be disease causing. Computational evidence MutationTaster - Disease causing automatic predicts damaging effect on protein structure and function for this variant. For these reasons, this variant has been classified as Likely Pathogenic. In the absence of another reportable variant, the molecular diagnosis is not confirmed.

Literature cited by the submitters: PubMed 20679665 (cited by Labcorp Genetics (formerly Invitae), Labcorp); PubMed 23806237 (cited by Labcorp Genetics (formerly Invitae), Labcorp).

NM_019109.5(ALG1):c.295C>T (p.Arg99Ter)

Gene: ALG1 (ALG1 chitobiosyldiphosphodolichol beta-mannosyltransferase; plus strand). Cytogenetic location: 16p13.3.
Variant type: single nucleotide variant.
Coding change: c.295C>T on transcript NM_019109.5 (MANE Select); coding-DNA position 295, C replaced by T.
Protein change: p.Arg99Ter; replaces arginine 99 with a stop codon.
Molecular consequence: nonsense. On other transcripts: 5 prime UTR variant (1).
Genome position (GRCh38, 1-based): chr16:5,073,161, C>T. VCF-style: chr16-5073161-C-T. GRCh37 (hg19) VCF-style: chr16-5123162-C-T.
Other names: c.-39C>T (NM_001330504.2); short protein forms R99*.
Identifiers: ClinVar variation 1702670 (VCV001702670.11), dbSNP rs750451819, ClinGen allele CA7889778.